The following is an entry in ClinVar:

ClinVar aggregate classification (germline): Benign/Likely benign. Review status: criteria provided, multiple submitters, no conflicts (2 of 4 stars). 7 submissions from 7 submitters: Benign (3); Likely benign (4). Last evaluated 2026-06-01.

Conditions:
Hereditary cancer-predisposing syndrome. Also called: Neoplastic Syndromes, Hereditary; Tumor predisposition; Hereditary Cancer Syndrome; Hereditary neoplastic syndrome. Identifiers: Orphanet 140162, MedGen C0027672, MeSH D009386, MONDO:0015356.
Cardiovascular phenotype. Identifiers: MedGen CN230736.

Allele frequency attached by ClinVar (database versions not stated): gnomAD exomes 0.00049; ExAC 0.00057; gnomAD 0.00175 and 0.00183; TOPMed 0.00196; ESP Exome Variant Server 0.00215; 1000 Genomes Project 30x 0.00297; 1000 Genomes Project 0.00339.
gnomAD v4.1: 554 of 1,613,848 alleles (0.034%); highest among the groups gnomAD compares: African/African-American, 0.61%; 5 homozygotes.

Submissions (7):

CeGaT Center for Human Genetics Tuebingen
Classification: Likely benign. Last evaluated: 2026-06-01. Review status: criteria provided, single submitter. Criteria: CeGaT Center For Human Genetics Tuebingen Variant Classification Criteria Version 2. Collection method: clinical testing. Allele origin: germline. Affected: yes. Observed: 4 variant alleles.
Comment: LZTR1: BP4, BP7

Labcorp Genetics (formerly Invitae), Labcorp
Classification: Benign. Last evaluated: 2026-02-03. Review status: criteria provided, single submitter. Criteria: Invitae Variant Classification Sherloc (09022015). Collection method: clinical testing. Allele origin: germline.

ARUP Laboratories, Molecular Genetics and Genomics, ARUP Laboratories
Classification: Likely benign. Last evaluated: 2025-05-01. Review status: criteria provided, single submitter. Criteria: ARUP Molecular Germline Variant Investigation Process 2024. Collection method: clinical testing. Allele origin: germline.

Blueprint Genetics
Classification: Likely benign. Last evaluated: 2024-11-25. Review status: criteria provided, single submitter. Criteria: ACMG Guidelines, 2015. Collection method: clinical testing. Allele origin: germline.

GeneDx
Classification: Likely benign. Last evaluated: 2021-02-07. Review status: criteria provided, single submitter. Criteria: GeneDx Variant Classification Process June 2021. Collection method: clinical testing. Allele origin: germline. Affected: yes.

Ambry Genetics
Classification: Benign for Cardiovascular phenotype; Hereditary cancer-predisposing syndrome. Last evaluated: 2020-09-02. Review status: criteria provided, single submitter. Criteria: Ambry Variant Classification Scheme 2023. Collection method: clinical testing. Allele origin: germline.

Women's Health and Genetics/Laboratory Corporation of America, LabCorp
Classification: Benign. Last evaluated: 2020-08-08. Review status: criteria provided, single submitter. Criteria: LabCorp Variant Classification Summary - May 2015. Collection method: clinical testing. Allele origin: germline.

NM_006767.4(LZTR1):c.741C>T (p.Ser247=)

Gene: LZTR1 (leucine zipper like post translational regulator 1; plus strand). Cytogenetic location: 22q11.21.
Variant type: single nucleotide variant.
Coding change: c.741C>T on transcript NM_006767.4 (MANE Select); coding-DNA position 741, C replaced by T.
Protein change: p.Ser247=; no amino-acid change (serine 247 retained).
Molecular consequence: synonymous variant.
Genome position (GRCh38, 1-based): chr22:20,990,475, C>T. VCF-style: chr22-20990475-C-T. GRCh37 (hg19) VCF-style: chr22-21344764-C-T.
Identifiers: ClinVar variation 705869 (VCV000705869.43), dbSNP rs114458679, ClinGen allele CA10118605.